The following is an entry in ClinVar:

ClinVar aggregate classification (germline): Uncertain significance (1 of 4 stars; one submission).

Conditions:
PHIP-related disorder. Also called: PHIP-related condition; PHIP-related disorders.

gnomAD v4.1: 27 of 1,613,822 alleles (0.0017%); highest among the groups gnomAD compares: African/African-American, 0.0027%; no homozygotes.

Submission:

PreventionGenetics, part of Exact Sciences
Classification: Uncertain significance for PHIP-related condition. Last evaluated: 2026-03-19. Review status: criteria provided, single submitter. Criteria: ACMG Guidelines, 2015. Collection method: clinical testing. Allele origin: germline.
Comment: The PHIP c.5235G>C variant is predicted to result in the amino acid substitution p.Lys1745Asn. To our knowledge, this variant has not been reported in the literature. This variant is reported in 0.0053% of alleles in individuals of European (Non-Finnish) descent in gnomAD. At this time, the clinical significance of this variant is uncertain due to the absence of conclusive functional and genetic evidence.

NM_017934.7(PHIP):c.5235G>C (p.Lys1745Asn)

Genes: IRAK1BP1 (interleukin 1 receptor associated kinase 1 binding protein 1; plus strand), PHIP (PHIP subunit of CUL4-Ring ligase complex; minus strand). Cytogenetic location: 6q14.1.
Variant type: single nucleotide variant.
Coding change: c.5235G>C on transcript NM_017934.7 (MANE Select); coding-DNA position 5235, G replaced by C.
Protein change: p.Lys1745Asn; replaces lysine 1745 with asparagine.
Molecular consequence: missense variant.
Genome position (GRCh38, 1-based): chr6:78,940,924, C>G on the plus strand (G>C on the coding strand, the complement: PHIP is on the minus strand). VCF-style: chr6-78940924-C-G. GRCh37 (hg19) VCF-style: chr6-79650641-C-G.
Other names: short protein forms K1745N.
Identifiers: ClinVar variation 4977471 (VCV004977471.1).
Genomic context (GRCh38, chr6:78,940,924, plus strand): 5'-GTGGGGTTCAGAGCCTTTGAGTTCTTCAAACTCTTCTTCCTCATCTATAGGATCATCTAT[C>G]TTTTTTCGGTTACTTCTCCTTAACACTTTGACACTTGCAGGGACTAGGAGATCTGCATCT-3'
Protein context (NP_060404.4, residues 1735-1755): VKVLRRSNRK[Lys1745Asn]IDDPIDEEEE